The following is an entry in ClinVar:

ClinVar aggregate classification (germline): Uncertain significance. Review status: criteria provided, multiple submitters, no conflicts (2 of 4 stars). 4 submissions from 4 submitters: Uncertain significance (4). Last evaluated 2025-06-18.

Conditions:
Hereditary cancer-predisposing syndrome. Also called: Neoplastic Syndromes, Hereditary; Tumor predisposition; Hereditary neoplastic syndrome; Hereditary Cancer Syndrome. Identifiers: Orphanet 140162, MedGen C0027672, MeSH D009386, MONDO:0015356.
Oligodontia-cancer predisposition syndrome. Also called: TOOTH AGENESIS-COLORECTAL CANCER SYNDROME. Identifiers: Orphanet 300576, MedGen C1837750, MONDO:0012075, OMIM 608615. Disease mechanism: loss of function.

Allele frequency attached by ClinVar (database versions not stated): gnomAD exomes below 0.00001.
gnomAD v4.1: 1 of 1,614,072 alleles (0.000062%); highest among the groups gnomAD compares: Non-Finnish European, 0.000085%; no homozygotes.

Submissions (4):

Labcorp Genetics (formerly Invitae), Labcorp
Classification: Uncertain significance for Oligodontia-cancer predisposition syndrome. Last evaluated: 2025-06-18. Review status: criteria provided, single submitter. Criteria: Invitae Variant Classification Sherloc (09022015). Collection method: clinical testing. Allele origin: germline.
Comment: This sequence change replaces isoleucine, which is neutral and non-polar, with methionine, which is neutral and non-polar, at codon 161 of the AXIN2 protein (p.Ile161Met). This variant is present in population databases (no rsID available, gnomAD 0.0009%). This variant has not been reported in the literature in individuals affected with AXIN2-related conditions. ClinVar contains an entry for this variant (Variation ID: 568662). Invitae Evidence Modeling of protein sequence and biophysical properties (such as structural, functional, and spatial information, amino acid conservation, physicochemical variation, residue mobility, and thermodynamic stability) indicates that this missense variant is not expected to disrupt AXIN2 protein function with a negative predictive value of 80%. In summary, the available evidence is currently insufficient to determine the role of this variant in disease. Therefore, it has been classified as a Variant of Uncertain Significance.

Ambry Genetics
Classification: Uncertain significance for Hereditary cancer-predisposing syndrome. Last evaluated: 2024-03-19. Review status: criteria provided, single submitter. Criteria: Ambry Variant Classification Scheme 2023. Collection method: clinical testing. Allele origin: germline.
Comment: The p.I161M variant (also known as c.483C>G), located in coding exon 1 of the AXIN2 gene, results from a C to G substitution at nucleotide position 483. The isoleucine at codon 161 is replaced by methionine, an amino acid with highly similar properties. This amino acid position is well conserved in available vertebrate species. In addition, this alteration is predicted to be tolerated by in silico analysis. Since supporting evidence is limited at this time, the clinical significance of this alteration remains unclear.

GeneDx
Classification: Uncertain significance. Last evaluated: 2023-10-20. Review status: criteria provided, single submitter. Criteria: GeneDx Variant Classification Process June 2021. Collection method: clinical testing. Allele origin: germline. Affected: yes.
Comment: Not observed at significant frequency in large population cohorts (gnomAD); In silico analysis supports that this missense variant does not alter protein structure/function; Has not been previously published as pathogenic or benign to our knowledge; This variant is associated with the following publications: (PMID: 15735151)

Sema4
Classification: Uncertain significance for Hereditary cancer-predisposing syndrome. Last evaluated: 2021-04-03. Review status: criteria provided, single submitter. Criteria: Sema4 Curation Guidelines. Collection method: curation. Allele origin: germline.
Comment: The AXIN2 c.483C>G (p.I161M) variant has not been reported in the literature to our knowledge. It was observed in 1/113758 chromosomes of the European Non-Finnish subpopulation in the large and broad cohorts of the Genome Aggregation Database (PMID: 32461654). This variant has been reported in ClinVar (Variation ID 568662). In silico tools suggest the impact of the variant on protein function is inconclusive, though these predictions have not been confirmed by functional studies. The overall evidence is insufficient to meet ACMG/AMP criteria for classifying it as benign or pathogenic. In summary, the clinical significance of this variant is currently uncertain.

NM_004655.4(AXIN2):c.483C>G (p.Ile161Met)

Gene: AXIN2 (axin 2; minus strand). Cytogenetic location: 17q24.1.
Variant type: single nucleotide variant.
Coding change: c.483C>G on transcript NM_004655.4 (MANE Select); coding-DNA position 483, C replaced by G.
Protein change: p.Ile161Met; replaces isoleucine 161 with methionine.
Molecular consequence: missense variant.
Genome position (GRCh38, 1-based): chr17:65,558,138, G>C on the plus strand (C>G on the coding strand, the complement: AXIN2 is on the minus strand). VCF-style: chr17-65558138-G-C. GRCh37 (hg19) VCF-style: chr17-63554256-G-C.
Other names: c.483C>G (LRG_296t1); c.483C>G, p.Ile161Met (NM_001363813.1); short protein forms I161M.
Identifiers: ClinVar variation 568662 (VCV000568662.16), dbSNP rs1160324143, ClinGen allele CA400681227.